The following is an entry in ClinVar:

NM_000169.3(GLA):c.547+399_547+402dup

Genes: GLA (galactosidase alpha; minus strand), RPL36A-HNRNPH2 (RPL36A-HNRNPH2 readthrough; plus strand). Cytogenetic location: Xq22.1.
Variant type: Duplication.
Coding change: c.547+399_547+402dup on transcript NM_000169.3 (MANE Select); bases 399 to 402 of the intron after coding-DNA position 547, 4 bases duplicated (GGTA; older notation c.547+399_547+402dupGGTA).
Molecular consequence: intron variant. On other transcripts: 3 prime UTR variant (1).
Genome position (GRCh38, 1-based): chrX:101,401,230-101,401,233, TACC duplicated on the plus strand (GGTA on the coding strand, the reverse complement: GLA is on the minus strand); duplicating any 4 consecutive bases within chrX:101,401,230-101,401,234 gives the same sequence; the c. name uses the placement nearest the transcript's 3' end. VCF-style (leftmost placement, unchanged base first): chrX-101401229-G-GTACC. GRCh37 (hg19) VCF-style: chrX-100656217-G-GTACC.
Other names: c.*310_*313dup (NM_001406749.1); c.300+5774_300+5777dup (NM_001199973.2); c.177+9409_177+9412dup (NM_001199974.2); c.670+399_670+402dup (NM_001406747.1); c.547+399_547+402dup (NM_001406748.1).
Identifiers: ClinVar variation 4087108 (VCV004087108.2).

ClinVar aggregate classification (germline): Uncertain significance (1 of 4 stars; one submission).

Conditions:
Fabry disease. Also called: ALPHA-GALACTOSIDASE A DEFICIENCY; ANDERSON-FABRY DISEASE; CERAMIDE TRIHEXOSIDASE DEFICIENCY; GLA DEFICIENCY; HEREDITARY DYSTOPIC LIPIDOSIS; Angiokeratoma corporis diffusum. Identifiers: Orphanet 324, MedGen C0002986, MONDO:0010526, OMIM 301500, HP:0001071. Disease mechanism: Fabry disease is due to inactivating mutations in the X-linked GLA gene resulting in deficiency of the enzyme Alpha Galactosidase-A., loss of function.

Submission:

Genomenon, Inc
Classification: Uncertain significance for Fabry disease. Last evaluated: 2026-09-08. Review status: criteria provided, single submitter. Criteria: Genomenon Sequence Variant Interpretation Standards - Updated. Collection method: curation. Allele origin: germline. Affected: yes.
Comment: GLA c.547+399_547+402dup is a duplication variant located in intron 3. This variant has been observed in at least one proband with clinical features consistent with Fabry disease (PMID:25974833). Functional or patient cell studies have been reported (PMID:25974833). It is absent or not present at a significant frequency in gnomAD. In silico models predict that this variant is possibly or probably damaging. In conclusion, we classify GLA c.547+399_547+402dup as a variant of uncertain significance.

Literature cited by the submitters: PubMed 25974833.